The following is an entry in ClinVar:

ClinVar aggregate classification (germline): Likely pathogenic. Review status: criteria provided, multiple submitters, no conflicts (2 of 4 stars). 3 submissions from 3 submitters: Likely pathogenic (3). Last evaluated 2024-05-08.

Conditions:
Retinitis pigmentosa (RP). Identifiers: Orphanet 791, MedGen C0035334, MeSH D012174, MONDO:0019200, OMIM 268000. Inheritance: Autosomal dominant, autosomal recessive and X linked inheritance.
Retinitis pigmentosa 39 (RP39). Identifiers: Orphanet 791, MedGen C3151138, MONDO:0013436, OMIM 613809.
Usher syndrome type 2A. Also called: RETINAL DISEASE IN USHER SYNDROME TYPE IIA, MODIFIER OF; USHER SYNDROME, TYPE IIA. Identifiers: Orphanet 231178, Orphanet 886, MedGen C1848634, MONDO:0010169, OMIM 276901.

Allele frequency attached by ClinVar (database versions not stated): gnomAD exomes below 0.00001; ExAC 0.00001.
gnomAD v4.1: 2 of 1,612,090 alleles (0.00012%); highest among the groups gnomAD compares: South Asian, 0.0011%; no homozygotes.

Submissions (3):

Natera, Inc.
Classification: Likely pathogenic for Usher syndrome type 2A. Last evaluated: 2024-05-08. Review status: criteria provided, single submitter. Criteria: Natera Variant Classification Schema (03/2026). Collection method: clinical testing. Allele origin: germline.
Comment: The c.2810-1G>A variant in USH2A is a canonical splice acceptor site variant predicted to affect pre-mRNA splicing, which may result in an abnormal transcript and altered protein product. This variant is expected to result in nonsense mediated decay, truncation, or a dysfunctional protein product. This variant is rare in the general population with a frequency below the threshold expected for the associated phenotype(s). Given the available evidence, this variant is classified as Likely Pathogenic.

Fulgent Genetics
Classification: Likely pathogenic for Usher syndrome type 2A; Retinitis pigmentosa 39. Last evaluated: 2024-03-04. Review status: criteria provided, single submitter. Criteria: ACMG Guidelines, 2015. Collection method: clinical testing. Allele origin: germline.

Broad Center for Mendelian Genomics, Broad Institute of MIT and Harvard
Classification: Likely pathogenic for Retinitis pigmentosa. Last evaluated: 2021-04-01. Review status: criteria provided, single submitter. Criteria: ACMG Guidelines, 2015. Collection method: curation. Allele origin: germline. Inheritance: Autosomal recessive inheritance. Affected: yes.
Comment: Through a review of available evidence we were able to apply the following criteria: PVS1, PM2. Based on this evidence we have classified this variant as Likely Pathogenic. If you have any questions about the classification please reach out to the Pierce Lab.

Literature cited by the submitters: PubMed 34906470 (cited by Broad Center for Mendelian Genomics, Broad Institute of MIT and Harvard).

NM_206933.4(USH2A):c.2810-1G>A

Genes: USH2A-AS1 (USH2A antisense RNA 1; plus strand), USH2A (usherin; minus strand). Cytogenetic location: 1q41.
Variant type: single nucleotide variant.
Coding change: c.2810-1G>A on transcript NM_206933.4 (MANE Select); the canonical splice acceptor site of the intron before coding-DNA position 2810, G replaced by A.
Molecular consequence: splice acceptor variant.
Genome position (GRCh38, 1-based): chr1:216,232,137, C>T on the plus strand (G>A on the coding strand, the complement: USH2A is on the minus strand). VCF-style: chr1-216232137-C-T. GRCh37 (hg19) VCF-style: chr1-216405479-C-T.
Other names: c.2810-1G>A (NM_007123.6, NM_206933.2).
Identifiers: ClinVar variation 1297138 (VCV001297138.4), dbSNP rs778336512, ClinGen allele CA1396145.